The following is an entry in ClinVar:

ClinVar aggregate classification (germline): Uncertain significance. Review status: criteria provided, multiple submitters, no conflicts (2 of 4 stars). 5 submissions from 5 submitters: Uncertain significance (5). Last evaluated 2025-12-15.

Conditions:
Loeys-Dietz syndrome 4 (LDS4). Also called: TGFB2-Related Loeys-Dietz Syndrome; ANEURYSM, AORTIC AND CEREBRAL, WITH ARTERIAL TORTUOSITY AND SKELETAL MANIFESTATIONS. Identifiers: MedGen C3553762, MONDO:0013897, OMIM 614816.
Familial thoracic aortic aneurysm and aortic dissection (TAAD). Also called: Thoracic aortic aneurysms and dissections. Identifiers: Orphanet 91387, MedGen C4707243, MONDO:0019625.

Allele frequency attached by ClinVar (database versions not stated): ExAC 0.00001; gnomAD exomes 0.00002; gnomAD 0.00004; TOPMed 0.00004.
gnomAD v4.1: 32 of 1,614,070 alleles (0.002%); highest among the groups gnomAD compares: East Asian, 0.011%; no homozygotes.

Submissions (5):

Labcorp Genetics (formerly Invitae), Labcorp
Classification: Uncertain significance for Loeys-Dietz syndrome 4. Last evaluated: 2025-12-15. Review status: criteria provided, single submitter. Criteria: Invitae Variant Classification Sherloc (09022015). Collection method: clinical testing. Allele origin: germline.
Comment: This sequence change replaces proline, which is neutral and non-polar, with leucine, which is neutral and non-polar, at codon 65 of the TGFB2 protein (p.Pro65Leu). This variant is present in population databases (rs750324465, gnomAD 0.01%). This variant has not been reported in the literature in individuals affected with TGFB2-related conditions. ClinVar contains an entry for this variant (Variation ID: 213850). Invitae Evidence Modeling of protein sequence and biophysical properties (such as structural, functional, and spatial information, amino acid conservation, physicochemical variation, residue mobility, and thermodynamic stability) indicates that this missense variant is not expected to disrupt TGFB2 protein function with a negative predictive value of 80%. In summary, the available evidence is currently insufficient to determine the role of this variant in disease. Therefore, it has been classified as a Variant of Uncertain Significance.

Ambry Genetics
Classification: Uncertain significance for Familial thoracic aortic aneurysm and aortic dissection. Last evaluated: 2024-12-14. Review status: criteria provided, single submitter. Criteria: Ambry Variant Classification Scheme 2023. Collection method: clinical testing. Allele origin: germline.
Comment: The p.P65L variant (also known as c.194C>T), located in coding exon 1 of the TGFB2 gene, results from a C to T substitution at nucleotide position 194. The proline at codon 65 is replaced by leucine, an amino acid with similar properties. This amino acid position is conserved. In addition, this alteration is predicted to be tolerated by in silico analysis. Since supporting evidence is limited at this time, the clinical significance of this alteration remains unclear.

GeneDx
Classification: Uncertain significance. Last evaluated: 2024-07-26. Review status: criteria provided, single submitter. Criteria: GeneDx Variant Classification Process June 2021. Collection method: clinical testing. Allele origin: germline. Affected: yes.
Comment: Has not been previously published as pathogenic or benign to our knowledge; In silico analysis indicates that this missense variant does not alter protein structure/function

CeGaT Center for Human Genetics Tuebingen
Classification: Uncertain significance. Last evaluated: 2024-05-01. Review status: criteria provided, single submitter. Criteria: CeGaT Center For Human Genetics Tuebingen Variant Classification Criteria Version 2. Collection method: clinical testing. Allele origin: germline. Affected: yes. Observed: 1 variant allele.
Comment: TGFB2: PM2:Supporting, PS4:Supporting, BP4

Fulgent Genetics
Classification: Uncertain significance for Loeys-Dietz syndrome 4. Last evaluated: 2018-10-31. Review status: criteria provided, single submitter. Criteria: ACMG Guidelines, 2015. Collection method: clinical testing. Allele origin: unknown.

NM_003238.6(TGFB2):c.194C>T (p.Pro65Leu)

Gene: TGFB2 (transforming growth factor beta 2; plus strand). Cytogenetic location: 1q41.
Variant type: single nucleotide variant.
Coding change: c.194C>T on transcript NM_003238.6 (MANE Select); coding-DNA position 194, C replaced by T.
Protein change: p.Pro65Leu; replaces proline 65 with leucine.
Molecular consequence: missense variant. On other transcripts: non-coding transcript variant (2).
Genome position (GRCh38, 1-based): chr1:218,346,895, C>T. VCF-style: chr1-218346895-C-T. GRCh37 (hg19) VCF-style: chr1-218520237-C-T.
Other names: p.P65L:CCG>CTG; c.194C>T, p.Pro65Leu (NM_001135599.4); short protein forms P65L.
Identifiers: ClinVar variation 213850 (VCV000213850.31), dbSNP rs750324465, ClinGen allele CA324601.
Genomic context (GRCh38, chr1:218,346,895, plus strand): 5'-TGAGCAAGCTGAAGCTCACCAGTCCCCCAGAAGACTATCCTGAGCCCGAGGAAGTCCCCC[C>T]GGAGGTGATTTCCATCTACAACAGCACCAGGGACTTGCTCCAGGAGAAGGCGAGCCGGAG-3'
Protein context (NP_003229.1, residues 55-75): EDYPEPEEVP[Pro65Leu]EVISIYNSTR